The following is an entry in ClinVar:

NM_003738.5(PTCH2):c.1573C>T (p.Arg525Ter)

Gene: PTCH2 (patched 2; minus strand). Cytogenetic location: 1p34.1.
Variant type: single nucleotide variant.
Coding change: c.1573C>T on transcript NM_003738.5 (MANE Select); coding-DNA position 1573, C replaced by T.
Protein change: p.Arg525Ter; replaces arginine 525 with a stop codon.
Molecular consequence: nonsense.
Genome position (GRCh38, 1-based): chr1:44,828,523, G>A on the plus strand (C>T on the coding strand, the complement: PTCH2 is on the minus strand). VCF-style: chr1-44828523-G-A. GRCh37 (hg19) VCF-style: chr1-45294195-G-A.
Other names: c.1573C>T, p.Arg525Ter (NM_001166292.2); short protein forms R525*.
Identifiers: ClinVar variation 1050292 (VCV001050292.3), dbSNP rs1342270028, ClinGen allele CA340100733.
Genomic context (GRCh38, chr1:44,828,523, plus strand): 5'-AGCCCCACACCCACCCTGAGCTGCCCCGTGTGAGAGGCCTCACCTGTAGGGAGAAGGCTC[G>A]CAGCGCAGGGATGGGAACGAGGGCAGCCATGAGGAAGGCGGCCATGTTGTTGATGGATGT-3'

ClinVar aggregate classification (germline): Uncertain significance. Review status: criteria provided, single submitter (1 of 4 stars). 2 submissions from 2 submitters: Uncertain significance (1). 1 of the submissions does not count toward it. Last evaluated 2024-05-28.

Conditions:
Gorlin syndrome. Also called: Nevoid Basal Cell Carcinoma Syndrome; Basal cell nevus syndrome. Identifiers: Orphanet 377, MedGen C0004779, MONDO:0007187.

Allele frequency attached by ClinVar (database versions not stated): gnomAD exomes below 0.00001 and 0.00001; gnomAD 0.00001; TOPMed 0.00001.
gnomAD v4.1: 8 of 1,614,016 alleles (0.0005%); highest among the groups gnomAD compares: East Asian, 0.0022%; no homozygotes.

Submissions (2):

Labcorp Genetics (formerly Invitae), Labcorp
Classification: Uncertain significance for Gorlin syndrome. Last evaluated: 2024-05-28. Review status: criteria provided, single submitter. Criteria: Invitae Variant Classification Sherloc (09022015). Collection method: clinical testing. Allele origin: germline.
Comment: This sequence change creates a premature translational stop signal (p.Arg525*) in the PTCH2 gene. It is expected to result in an absent or disrupted protein product. However, the current clinical and genetic evidence is not sufficient to establish whether loss-of-function variants in PTCH2 cause disease. This variant is present in population databases (no rsID available, gnomAD 0.006%). This variant has not been reported in the literature in individuals affected with PTCH2-related conditions. ClinVar contains an entry for this variant (Variation ID: 1050292). In summary, the available evidence is currently insufficient to determine the role of this variant in disease. Therefore, it has been classified as a Variant of Uncertain Significance.

Department of Pathology and Laboratory Medicine, Sinai Health System
Classification: Uncertain significance. Review status: no assertion criteria provided. Collection method: clinical testing. Allele origin: unknown. Affected: yes. Study: The Canadian Open Genetics Repository (COGR). Not counted in ClinVar's aggregate classification.
Comment: The PTCH2 p.R525* variant was not identified in the literature nor was it identified in ClinVar or COSMIC. The variant was identified in dbSNP (ID: rs1342270028) and in control databases in 3 of 250168 chromosomes at a frequency of 0.00001199 (Genome Aggregation Database March 6, 2019, v2.1.1). The c.1573C>T variant leads to a premature stop codon at position 525 which is predicted to lead to a truncated or absent protein and loss of function. However, the role of loss of function variants of the PTCH2 gene in disease is currently not well-established. In summary, based on the above information the clinical significance of this variant cannot be determined with certainty at this time. This variant is classified as a variant of uncertain significance.